The following is an entry in ClinVar:

ClinVar aggregate classification (germline): Uncertain significance (1 of 4 stars; one submission).

Conditions:
Congenital myasthenic syndrome 17. Identifiers: Orphanet 590, MedGen C4225377, MONDO:0014578, OMIM 616304.
Sclerosteosis 2 (SOST2). Identifiers: Orphanet 3152, MedGen C3280402, MONDO:0013679, OMIM 614305.
Cenani-Lenz syndactyly syndrome. Also called: SYNDACTYLY, TYPE VII; CENANI SYNDACTYLISM. Identifiers: Orphanet 3258, MedGen C1859309, MONDO:0008931, OMIM 212780.

Submission:

Labcorp Genetics (formerly Invitae), Labcorp
Classification: Uncertain significance for Cenani-Lenz syndactyly syndrome; Sclerosteosis 2; Congenital myasthenic syndrome 17. Last evaluated: 2022-01-14. Review status: criteria provided, single submitter. Criteria: Invitae Variant Classification Sherloc (09022015). Collection method: clinical testing. Allele origin: germline.
Comment: Algorithms developed to predict the effect of missense changes on protein structure and function (SIFT, PolyPhen-2, Align-GVGD) all suggest that this variant is likely to be disruptive. ClinVar contains an entry for this variant (Variation ID: 1043365). This variant has not been reported in the literature in individuals affected with LRP4-related conditions. This variant is not present in population databases (gnomAD no frequency). This sequence change replaces proline, which is neutral and non-polar, with leucine, which is neutral and non-polar, at codon 577 of the LRP4 protein (p.Pro577Leu). In summary, the available evidence is currently insufficient to determine the role of this variant in disease. Therefore, it has been classified as a Variant of Uncertain Significance.

NM_002334.4(LRP4):c.1730C>T (p.Pro577Leu)

Gene: LRP4 (LDL receptor related protein 4; minus strand). Cytogenetic location: 11p11.2.
Variant type: single nucleotide variant.
Coding change: c.1730C>T on transcript NM_002334.4 (MANE Select); coding-DNA position 1730, C replaced by T.
Protein change: p.Pro577Leu; replaces proline 577 with leucine.
Molecular consequence: missense variant.
Genome position (GRCh38, 1-based): chr11:46,890,462, G>A on the plus strand (C>T on the coding strand, the complement: LRP4 is on the minus strand). VCF-style: chr11-46890462-G-A. GRCh37 (hg19) VCF-style: chr11-46912013-G-A.
Other names: short protein forms P577L.
Identifiers: ClinVar variation 1043365 (VCV001043365.8), dbSNP rs1941398250, ClinGen allele CA380283347.